The following is an entry in ClinVar:

ClinVar aggregate classification (germline): Conflicting classifications of pathogenicity. Review status: criteria provided, conflicting classifications (1 of 4 stars). 5 submissions from 5 submitters: Likely pathogenic (3); Uncertain significance (2). Last evaluated 2025-02-09.

Conditions:
Hereditary cancer-predisposing syndrome. Also called: Hereditary neoplastic syndrome; Hereditary Cancer Syndrome; Neoplastic Syndromes, Hereditary; Tumor predisposition. Identifiers: Orphanet 140162, MedGen C0027672, MeSH D009386, MONDO:0015356.
Familial cancer of breast. Also called: Hereditary breast cancer; BREAST CANCER, FAMILIAL; hereditary breast carcinoma. Identifiers: Orphanet 227535, MedGen C0346153, MONDO:0016419, OMIM 114480. Disease mechanism: loss of function.

Submissions (5):

Labcorp Genetics (formerly Invitae), Labcorp
Classification: Uncertain significance for Familial cancer of breast. Last evaluated: 2025-02-09. Review status: criteria provided, single submitter. Criteria: Invitae Variant Classification Sherloc (09022015). Collection method: clinical testing. Allele origin: germline.
Comment: This sequence change affects an acceptor splice site in intron 10 of the BARD1 gene. RNA analysis indicates that disruption of this splice site induces altered splicing and likely results in the loss of 3 amino acid residue(s), but is expected to preserve the integrity of the reading-frame. This variant is not present in population databases (gnomAD no frequency). Disruption of this splice site has been observed in individual(s) with breast and prostate cancer (PMID: 25452441, 31036035). ClinVar contains an entry for this variant (Variation ID: 229902). Variants that disrupt the consensus splice site are a relatively common cause of aberrant splicing (PMID: 17576681, 9536098). Studies have shown that disruption of this splice site results in the activation of a cryptic splice site in exon 11 (internal data). In summary, the available evidence is currently insufficient to determine the role of this variant in disease. Therefore, it has been classified as a Variant of Uncertain Significance.

Ambry Genetics
Classification: Uncertain significance for Hereditary cancer-predisposing syndrome. Last evaluated: 2024-11-18. Review status: criteria provided, single submitter. Criteria: Ambry Variant Classification Scheme 2023. Collection method: clinical testing. Allele origin: germline.
Comment: The c.2002-2A>T intronic variant results from an A to T substitution two nucleotides upstream from coding exon 11 in the BARD1 gene. This nucleotide position is highly conserved in available vertebrate species. In silico splice site analysis predicts that this alteration will weaken the native splice acceptor site and will result in the creation or strengthening of a novel splice acceptor site. RNA studies have demonstrated that this alteration results in a transcript predicted to lead to a protein with an in-frame deletion of three amino acids; however, the exact functional impact of the deleted amino acids is unknown at this time (Ambry internal data). Since supporting evidence is limited at this time, the clinical significance of this alteration remains unclear.

Myriad Genetics, Inc.
Classification: Likely pathogenic for Familial cancer of breast. Last evaluated: 2023-05-25. Review status: criteria provided, single submitter. Criteria: Myriad Autosomal Dominant, Autosomal Recessive and X-Linked Classification Criteria (2023). Collection method: clinical testing. Allele origin: unknown.
Comment: This variant is considered likely pathogenic. This variant occurs within a consensus splice junction and is predicted to result in abnormal mRNA splicing of either an out-of-frame exon or an in-frame exon necessary for protein stability and/or normal function.

Sema4
Classification: Likely pathogenic for Hereditary cancer-predisposing syndrome. Last evaluated: 2022-03-11. Review status: criteria provided, single submitter. Criteria: Sema4 Curation Guidelines. Collection method: curation. Allele origin: germline.
Comment: The BARD1 c.2002-2A>T variant has not been reported in the literature to our knowledge. This variant is in the last intron. It is predicted to abolish the canonical splice site leading to an abnormal protein, though nonsense-mediated decay is not expected. Two other nucleotide changes, c.2002-2A>C and c.2002-2A>G, that affect the same splice site have been reported in 4 individuals with breast or prostate cancer (PMID: 25452441, 31036035, 32338768) and 1 individual with breast cancer (PMID 28715532). This variant is not reported in the Genome Aggregation Database (PMID: 32461654). This variant has been reported in ClinVar (Variation ID: 229902). Based on the current evidence available, this variant is interpreted as likely pathogenic.

Color Diagnostics, LLC DBA Color Health
Classification: Likely pathogenic for Hereditary cancer-predisposing syndrome. Last evaluated: 2020-05-13. Review status: criteria provided, single submitter. Criteria: ACMG Guidelines, 2015. Collection method: clinical testing. Allele origin: germline.
Comment: This variant causes an A to T nucleotide substitution at the -2 position of intron 10 of the BARD1 gene. Splice site prediction tools predict that this variant may have a significant impact on RNA splicing. However, a nearby cryptic splice acceptor site may ameliorate the variant impact, but this has not been functionally validated. To our knowledge, functional studies have not been reported for this variant. This variant has not been reported in individuals affected with hereditary cancer in the literature. However, a different single-nucleotide variant at the same position, c.2002-2A>C, has been observed in an individual affected with triple-negative breast cancer (PMID: 25452441) and two individuals affected with early-onset breast cancer with positive family history for the disease (PMID: 31036035). This variant has not been identified in the general population by the Genome Aggregation Database (gnomAD). Loss of BARD1 function is a known mechanism of disease. Based on the available evidence, this variant is classified as Likely Pathogenic.

Literature cited by the submitters: PubMed 25452441 (cited by Labcorp Genetics (formerly Invitae), Labcorp and Sema4); PubMed 31036035 (cited by Labcorp Genetics (formerly Invitae), Labcorp and Sema4); PubMed 17576681 (cited by Labcorp Genetics (formerly Invitae), Labcorp); PubMed 9536098 (cited by Labcorp Genetics (formerly Invitae), Labcorp); PubMed 32338768 (cited by Sema4); PubMed 28715532 (cited by Sema4).

NM_000465.4(BARD1):c.2002-2A>T

Gene: BARD1 (BRCA1 associated RING domain 1; minus strand). Cytogenetic location: 2q35.
Variant type: single nucleotide variant.
Coding change: c.2002-2A>T on transcript NM_000465.4 (MANE Select); the canonical splice acceptor site of the intron before coding-DNA position 2002, A replaced by T.
Molecular consequence: splice acceptor variant.
Genome position (GRCh38, 1-based): chr2:214,729,010, T>A on the plus strand (A>T on the coding strand, the complement: BARD1 is on the minus strand). VCF-style: chr2-214729010-T-A. GRCh37 (hg19) VCF-style: chr2-215593734-T-A.
Other names: c.592-2A>T (NM_001282548.2); c.1945-2A>T (NM_001282543.2); c.649-2A>T (NM_001282545.2); c.463-2A>T (NM_001282549.2).
Identifiers: ClinVar variation 229902 (VCV000229902.18), dbSNP rs876658260, ClinGen allele CA10577770.